The following is an entry in ClinVar:

ClinVar aggregate classification (germline): Likely benign. Review status: criteria provided, multiple submitters, no conflicts (2 of 4 stars). 2 submissions from 2 submitters: Likely benign (2). Last evaluated 2026-07-01.

Allele frequency attached by ClinVar (database versions not stated): gnomAD 0.00096 and 0.00101; gnomAD exomes 0.00105 and 0.00166; ExAC 0.00116; TOPMed 0.00118; ESP Exome Variant Server 0.00138; 1000 Genomes Project 0.00060; 1000 Genomes Project 30x 0.00062.
gnomAD v4.1: 2,550 of 1,612,420 alleles (0.16%); highest among the groups gnomAD compares: Non-Finnish European, 0.2%; 2 homozygotes.

Submissions (2):

CeGaT Center for Human Genetics Tuebingen
Classification: Likely benign. Last evaluated: 2026-07-01. Review status: criteria provided, single submitter. Criteria: CeGaT Center For Human Genetics Tuebingen Variant Classification Criteria Version 2. Collection method: clinical testing. Allele origin: germline. Affected: yes. Observed: 11 variant alleles.
Comment: NF1: BS1

Center for Pediatric Genomic Medicine, Children's Mercy Hospital and Clinics
Classification: Likely benign. Last evaluated: 2017-09-18. Review status: criteria provided, single submitter. Criteria: ACMG Guidelines, 2015. Collection method: clinical testing. Allele origin: germline.

NM_001042492.3(NF1):c.4836-6844T>C

Genes: EVI2A (ecotropic viral integration site 2A; minus strand), NF1 (neurofibromin 1; plus strand). Cytogenetic location: 17q11.2.
Variant type: single nucleotide variant.
Coding change: c.4836-6844T>C on transcript NM_001042492.3 (MANE Select); 6844 bases into the intron before coding-DNA position 4836, T replaced by C.
Molecular consequence: intron variant. On other transcripts: missense variant (2).
Genome position (GRCh38, 1-based): chr17:31,318,976, T>C. VCF-style: chr17-31318976-T-C. GRCh37 (hg19) VCF-style: chr17-29645994-T-C.
Other names: c.107A>G, p.His36Arg (NM_001003927.3); c.38A>G, p.His13Arg (NM_014210.4); c.4773-6844T>C (NM_000267.4); short protein forms H13R, H36R.
Identifiers: ClinVar variation 445615 (VCV000445615.27), dbSNP rs144746834, ClinGen allele CA8487044.